The following is an entry in ClinVar:

ClinVar aggregate classification (germline): Likely benign (0 of 4 stars; one submission).

Conditions:
HDLBP-related disorder. Also called: HDLBP-related condition.

Allele frequency attached by ClinVar (database versions not stated): 1000 Genomes Project 0.00140; 1000 Genomes Project 30x 0.00187; TOPMed 0.00220; ExAC 0.00238; ESP Exome Variant Server 0.00238; gnomAD 0.00241; gnomAD exomes 0.00374.
gnomAD v4.1: 5,753 of 1,612,206 alleles (0.36%); highest among the groups gnomAD compares: Non-Finnish European, 0.45%; 12 homozygotes.

Submissions (21):

PreventionGenetics, part of Exact Sciences
Classification: Likely benign for HDLBP-related condition. Last evaluated: 2022-01-31. Review status: no assertion criteria provided. Collection method: clinical testing. Allele origin: germline.
Comment: This variant is classified as likely benign based on ACMG/AMP sequence variant interpretation guidelines (Richards et al. 2015 PMID: 25741868, with internal and published modifications).

Dr. Peter K. Rogan Lab, Western University
No classification provided (evidence only). Condition: Clear cell carcinoma of kidney. Review status: no classification provided. Collection method: in vitro. Allele origin: not applicable. Functional consequence: retained intron. Not counted in ClinVar's aggregate classification.

Dr. Peter K. Rogan Lab, Western University
No classification provided (evidence only). Condition: Clear cell carcinoma of kidney. Review status: no classification provided. Collection method: in vitro. Allele origin: not applicable. Functional consequence: retained intron. Not counted in ClinVar's aggregate classification.

Dr. Peter K. Rogan Lab, Western University
No classification provided (evidence only). Condition: Lung cancer. Review status: no classification provided. Collection method: in vitro. Allele origin: not applicable. Functional consequence: retained intron. Not counted in ClinVar's aggregate classification.

Dr. Peter K. Rogan Lab, Western University
No classification provided (evidence only). Condition: Melanoma. Review status: no classification provided. Collection method: in vitro. Allele origin: not applicable. Functional consequence: retained intron. Not counted in ClinVar's aggregate classification.

Dr. Peter K. Rogan Lab, Western University
No classification provided (evidence only). Condition: Melanoma. Review status: no classification provided. Collection method: in vitro. Allele origin: not applicable. Functional consequence: retained intron. Not counted in ClinVar's aggregate classification.

Dr. Peter K. Rogan Lab, Western University
No classification provided (evidence only). Condition: Acute myeloid leukemia. Review status: no classification provided. Collection method: in vitro. Allele origin: not applicable. Functional consequence: retained intron. Not counted in ClinVar's aggregate classification.

Dr. Peter K. Rogan Lab, Western University
No classification provided (evidence only). Condition: Acute myeloid leukemia. Review status: no classification provided. Collection method: in vitro. Allele origin: not applicable. Functional consequence: retained intron. Not counted in ClinVar's aggregate classification.

Dr. Peter K. Rogan Lab, Western University
No classification provided (evidence only). Condition: Uterine corpus endometrial carcinoma. Review status: no classification provided. Collection method: in vitro. Allele origin: not applicable. Functional consequence: retained intron. Not counted in ClinVar's aggregate classification.

Dr. Peter K. Rogan Lab, Western University
No classification provided (evidence only). Condition: Cervical cancer. Review status: no classification provided. Collection method: in vitro. Allele origin: not applicable. Functional consequence: retained intron. Not counted in ClinVar's aggregate classification.

Dr. Peter K. Rogan Lab, Western University
No classification provided (evidence only). Condition: Cervical cancer. Review status: no classification provided. Collection method: in vitro. Allele origin: not applicable. Functional consequence: retained intron. Not counted in ClinVar's aggregate classification.

Dr. Peter K. Rogan Lab, Western University
No classification provided (evidence only). Condition: Sarcoma. Review status: no classification provided. Collection method: in vitro. Allele origin: not applicable. Functional consequence: retained intron. Not counted in ClinVar's aggregate classification.

Dr. Peter K. Rogan Lab, Western University
No classification provided (evidence only). Condition: Sarcoma. Review status: no classification provided. Collection method: in vitro. Allele origin: not applicable. Functional consequence: retained intron. Not counted in ClinVar's aggregate classification.

Dr. Peter K. Rogan Lab, Western University
No classification provided (evidence only). Condition: Hepatocellular carcinoma. Review status: no classification provided. Collection method: in vitro. Allele origin: not applicable. Functional consequence: retained intron. Not counted in ClinVar's aggregate classification.

Dr. Peter K. Rogan Lab, Western University
No classification provided (evidence only). Condition: Ovarian serous cystadenocarcinoma. Review status: no classification provided. Collection method: in vitro. Allele origin: not applicable. Functional consequence: retained intron. Not counted in ClinVar's aggregate classification.

Dr. Peter K. Rogan Lab, Western University
No classification provided (evidence only). Condition: Ovarian serous cystadenocarcinoma. Review status: no classification provided. Collection method: in vitro. Allele origin: not applicable. Functional consequence: retained intron. Not counted in ClinVar's aggregate classification.

Dr. Peter K. Rogan Lab, Western University
No classification provided (evidence only). Condition: Gastric cancer. Review status: no classification provided. Collection method: in vitro. Allele origin: not applicable. Functional consequence: retained intron. Not counted in ClinVar's aggregate classification.

Dr. Peter K. Rogan Lab, Western University
No classification provided (evidence only). Condition: Gastric cancer. Review status: no classification provided. Collection method: in vitro. Allele origin: not applicable. Functional consequence: retained intron. Not counted in ClinVar's aggregate classification.

Dr. Peter K. Rogan Lab, Western University
No classification provided (evidence only). Condition: Uterine carcinosarcoma. Review status: no classification provided. Collection method: in vitro. Allele origin: not applicable. Functional consequence: retained intron. Not counted in ClinVar's aggregate classification.

Dr. Peter K. Rogan Lab, Western University
No classification provided (evidence only). Condition: Uveal melanoma. Review status: no classification provided. Collection method: in vitro. Allele origin: not applicable. Functional consequence: retained intron. Not counted in ClinVar's aggregate classification.

Dr. Peter K. Rogan Lab, Western University
No classification provided (evidence only). Condition: Uveal melanoma. Review status: no classification provided. Collection method: in vitro. Allele origin: not applicable. Functional consequence: retained intron. Not counted in ClinVar's aggregate classification.

NM_005336.6(HDLBP):c.-27G>A

Gene: HDLBP (high density lipoprotein binding protein; minus strand). Cytogenetic location: 2q37.3.
Variant type: single nucleotide variant.
Coding change: c.-27G>A on transcript NM_005336.6 (MANE Select); 27 bases upstream of the start codon, G replaced by A.
Molecular consequence: 5 prime UTR variant. On other transcripts: missense variant (1).
Genome position (GRCh38, 1-based): chr2:241,266,896, C>T on the plus strand (G>A on the coding strand, the complement: HDLBP is on the minus strand). VCF-style: chr2-241266896-C-T. GRCh37 (hg19) VCF-style: chr2-242206311-C-T.
Other names: NC_000002.11:g.242206311C>T; c.82G>A, p.Gly28Arg (NM_001243900.3); c.-27G>A (NM_001320965.3, NM_001320966.3, NM_001320967.3 and 1 more transcripts); short protein forms G28R.
Identifiers: ClinVar variation 3042020 (VCV003042020.3), dbSNP rs79913511, ClinGen allele CA2217031.
Genomic context (GRCh38, chr2:241,266,896, plus strand): 5'-AACTCTCTTGGGTCAAAACTGCAACGGAACTCATGGTTGATCTCACACCTACACACAATC[C>T]GGGAAAACCACTAAAGCAAAGAAGAATAAATCAGAAGTCAAAGTACAACCCTCAATTATC-3'